The following is an entry in ClinVar:

NM_138927.4(SON):c.3094T>A (p.Ser1032Thr)

Gene: SON (SON DNA and RNA binding protein; plus strand). Cytogenetic location: 21q22.11.
Variant type: single nucleotide variant.
Coding change: c.3094T>A on transcript NM_138927.4 (MANE Select); coding-DNA position 3094, T replaced by A.
Protein change: p.Ser1032Thr; replaces serine 1032 with threonine.
Molecular consequence: missense variant. On other transcripts: non-coding transcript variant (1), intron variant (1).
Genome position (GRCh38, 1-based): chr21:33,552,325, T>A. VCF-style: chr21-33552325-T-A. GRCh37 (hg19) VCF-style: chr21-34924631-T-A.
Other names: c.3094T>A, p.Ser1032Thr (NM_001291411.2, NM_032195.3); c.245-4831T>A (NM_001291412.3); c.3094T>A (NM_138927.2); short protein forms S1032T.
Identifiers: ClinVar variation 730732 (VCV000730732.10), dbSNP rs57422087, ClinGen allele CA10009210.

ClinVar aggregate classification (germline): Likely benign. Review status: criteria provided, single submitter (1 of 4 stars). 2 submissions from 2 submitters: Likely benign (1). 1 of the submissions does not count toward it. Last evaluated 2025-11-10.

Conditions:
SON-related disorder. Also called: SON-related condition.

Allele frequency attached by ClinVar (database versions not stated): gnomAD exomes 0.00006 and 0.00021; ExAC 0.00032; ESP Exome Variant Server 0.00069; TOPMed 0.00076; gnomAD 0.00077 and 0.00081; 1000 Genomes Project 30x 0.00078; 1000 Genomes Project 0.00100.
gnomAD v4.1: 209 of 1,613,346 alleles (0.013%); highest among the groups gnomAD compares: African/African-American, 0.27%; 1 homozygote.

Submissions (2):

Labcorp Genetics (formerly Invitae), Labcorp
Classification: Likely benign. Last evaluated: 2025-11-10. Review status: criteria provided, single submitter. Criteria: Invitae Variant Classification Sherloc (09022015). Collection method: clinical testing. Allele origin: germline.

PreventionGenetics, part of Exact Sciences
Classification: Likely benign for SON-related condition. Last evaluated: 2023-08-18. Review status: no assertion criteria provided. Collection method: clinical testing. Allele origin: germline. Not counted in ClinVar's aggregate classification.
Comment: This variant is classified as likely benign based on ACMG/AMP sequence variant interpretation guidelines (Richards et al. 2015 PMID: 25741868, with internal and published modifications).